The following is an entry in ClinVar:

NM_024514.5(CYP2R1):c.582C>G (p.Ile194Met)

Genes: CYP2R1 (cytochrome P450 family 2 subfamily R member 1; minus strand), PDE3B (phosphodiesterase 3B; plus strand). Cytogenetic location: 11p15.2.
Variant type: single nucleotide variant.
Coding change: c.582C>G on transcript NM_024514.5 (MANE Select); coding-DNA position 582, C replaced by G.
Protein change: p.Ile194Met; replaces isoleucine 194 with methionine.
Molecular consequence: missense variant. On other transcripts: non-coding transcript variant (6), intron variant (5).
Genome position (GRCh38, 1-based): chr11:14,880,554, G>C on the plus strand (C>G on the coding strand, the complement: CYP2R1 is on the minus strand). VCF-style: chr11-14880554-G-C. GRCh37 (hg19) VCF-style: chr11-14902100-G-C.
Other names: c.237C>G, p.Ile79Met (NM_001377214.1, NM_001377215.1, NM_001377216.1 and 5 more transcripts); c.420C>G, p.Ile140Met (NM_001377217.1); c.438C>G, p.Ile146Met (NM_001400567.1); c.537C>G, p.Ile179Met (NM_001400568.1); c.23-1111C>G (NM_001400566.1); c.78-195C>G (NM_001400562.1, NM_001400564.1, NM_001400565.1 and 1 more transcripts); short protein forms I140M, I179M, I194M, I79M, I146M.
Identifiers: ClinVar variation 2172123 (VCV002172123.3), dbSNP rs373959523, ClinGen allele CA5896658.

ClinVar aggregate classification (germline): Uncertain significance. Review status: criteria provided, multiple submitters, no conflicts (2 of 4 stars). 3 submissions from 3 submitters: Uncertain significance (3). Last evaluated 2025-09-04.

Conditions:
Vitamin D hydroxylation-deficient rickets, type 1B. Also called: PSEUDOVITAMIN D3 DEFICIENCY RICKETS DUE TO 25-HYDROXYLASE DEFICIENCY; VITAMIN D-DEPENDENT RICKETS, TYPE 1B; Rickets due to Defect in Vitamin D 25-hydroxylation. Identifiers: Orphanet 289157, MedGen C1838657, MONDO:0010810, OMIM 600081.

Allele frequency attached by ClinVar (database versions not stated): ExAC 0.00003; gnomAD 0.00007; TOPMed 0.00008; gnomAD exomes 0.00010; ESP Exome Variant Server 0.00015.
gnomAD v4.1: 163 of 1,613,290 alleles (0.01%); highest among the groups gnomAD compares: Non-Finnish European, 0.012%; no homozygotes.

Submissions (3):

Women's Health and Genetics/Laboratory Corporation of America, LabCorp
Classification: Uncertain significance. Last evaluated: 2025-09-04. Review status: criteria provided, single submitter. Criteria: LabCorp Variant Classification Summary - May 2015. Collection method: clinical testing. Allele origin: germline.
Comment: Variant summary: CYP2R1 c.582C>G (p.Ile194Met) results in a conservative amino acid change in the encoded protein sequence. Algorithms developed to predict the effect of missense changes on protein structure and function are either unavailable or do not agree on the potential impact of this missense change. The variant allele was found at a frequency of 3.2e-05 in 250762 control chromosomes. To our knowledge, no occurrence of c.582C>G in individuals affected with CYP2R1-related conditions has been reported. At least one publication reports experimental evidence evaluating an impact on protein function. The most pronounced variant effect results in about 25% of normal activity in vitro (Casella_2020). The following publication has been ascertained in the context of this evaluation (PMID: 32115644). ClinVar contains an entry for this variant (Variation ID: 2172123). Based on the evidence outlined above, the variant was classified as VUS-possibly pathogenic.

Fulgent Genetics
Classification: Uncertain significance for Vitamin D hydroxylation-deficient rickets, type 1B. Last evaluated: 2024-02-12. Review status: criteria provided, single submitter. Criteria: ACMG Guidelines, 2015. Collection method: clinical testing. Allele origin: germline.

Labcorp Genetics (formerly Invitae), Labcorp
Classification: Uncertain significance. Last evaluated: 2022-08-20. Review status: criteria provided, single submitter. Criteria: Invitae Variant Classification Sherloc (09022015). Collection method: clinical testing. Allele origin: germline.
Comment: This sequence change replaces isoleucine, which is neutral and non-polar, with methionine, which is neutral and non-polar, at codon 194 of the CYP2R1 protein (p.Ile194Met). This variant is present in population databases (rs373959523, gnomAD 0.009%). This variant has not been reported in the literature in individuals affected with CYP2R1-related conditions. Algorithms developed to predict the effect of missense changes on protein structure and function are either unavailable or do not agree on the potential impact of this missense change (SIFT: "Deleterious"; PolyPhen-2: "Probably Damaging"; Align-GVGD: "Class C0"). Experimental studies have shown that this missense change affects CYP2R1 function (PMID: 32115644). In summary, the available evidence is currently insufficient to determine the role of this variant in disease. Therefore, it has been classified as a Variant of Uncertain Significance.

Literature cited by the submitters: PubMed 32115644 (cited by Women's Health and Genetics/Laboratory Corporation of America, LabCorp and Labcorp Genetics (formerly Invitae), Labcorp).